The following is an entry in ClinVar:

NM_001077350.3(NPRL3):c.318+1G>A

Genes: HBA-LCR (alpha-globin locus control region; plus strand), NPRL3 (NPR3 like, GATOR1 complex subunit; minus strand). Cytogenetic location: 16p13.3.
Variant type: single nucleotide variant.
Coding change: c.318+1G>A on transcript NM_001077350.3 (MANE Select); the canonical splice donor site of the intron after coding-DNA position 318, G replaced by A.
Molecular consequence: splice donor variant. On other transcripts: intron variant (1).
Genome position (GRCh38, 1-based): chr16:119,125, C>T on the plus strand (G>A on the coding strand, the complement: NPRL3 is on the minus strand). VCF-style: chr16-119125-C-T. GRCh37 (hg19) VCF-style: chr16-169124-C-T.
Other names: c.318+1G>A (NM_001077350.2, NM_001243248.2, NM_001243249.2); c.84+1G>A (NM_001243247.2); c.-144-6350G>A (NM_001039476.3).
Identifiers: ClinVar variation 1066351 (VCV001066351.13), dbSNP rs2141960559, ClinGen allele CA393995156.

ClinVar aggregate classification (germline): Pathogenic/Likely pathogenic. Review status: criteria provided, multiple submitters, no conflicts (2 of 4 stars). 3 submissions from 3 submitters: Pathogenic (2); Likely pathogenic (1). Last evaluated 2026-05-05.

Conditions:
Epilepsy, familial focal, with variable foci 3 (FFEVF3). Identifiers: MedGen C4310708, MONDO:0014925, OMIM 617118.
Inborn genetic diseases. Identifiers: MedGen C0950123, MeSH D030342.

Submissions (3):

Ambry Genetics
Classification: Likely pathogenic for Inborn genetic diseases. Last evaluated: 2026-05-05. Review status: criteria provided, single submitter. Criteria: Ambry Variant Classification Scheme 2023. Collection method: clinical testing. Allele origin: germline.
Comment: The c.318+1G>A intronic variant consists of a G to A substitution one nucleotide after exon 4 (coding exon 3) of the NPRL3 gene. Variants that disrupt the canonical splice site are expected to cause aberrant splicing, resulting in an abnormal protein or a transcript that is subject to nonsense-mediated mRNA decay. This variant was not reported in population-based cohorts in the Genome Aggregation Database (gnomAD). This nucleotide position is highly conserved in available vertebrate species. In silico splice site analysis predicts that this alteration will weaken the native splice donor site. Based on the available evidence, this alteration is classified as likely pathogenic.

GeneDx
Classification: Pathogenic. Last evaluated: 2025-02-04. Review status: criteria provided, single submitter. Criteria: GeneDx Variant Classification Process June 2021. Collection method: clinical testing. Allele origin: germline. Affected: yes.
Comment: Canonical splice site variant predicted to result in a null allele in a gene for which loss-of-function is a known mechanism of disease; Not observed at significant frequency in large population cohorts (gnomAD); Has not been previously published as pathogenic or benign to our knowledge

Labcorp Genetics (formerly Invitae), Labcorp
Classification: Pathogenic for Epilepsy, familial focal, with variable foci 3. Last evaluated: 2023-03-19. Review status: criteria provided, single submitter. Criteria: Invitae Variant Classification Sherloc (09022015). Collection method: clinical testing. Allele origin: germline.
Comment: This sequence change affects a donor splice site in intron 4 of the NPRL3 gene. It is expected to disrupt RNA splicing. Variants that disrupt the donor or acceptor splice site typically lead to a loss of protein function (PMID: 16199547), and loss-of-function variants in NPRL3 are known to be pathogenic (PMID: 26285051, 26505888). This variant is not present in population databases (gnomAD no frequency). Disruption of this splice site has been observed in individuals with clinical features of NPRL3-related conditions (Invitae). ClinVar contains an entry for this variant (Variation ID: 1066351). Algorithms developed to predict the effect of sequence changes on RNA splicing suggest that this variant may disrupt the consensus splice site. For these reasons, this variant has been classified as Pathogenic.

Literature cited by the submitters: PubMed 16199547 (cited by Labcorp Genetics (formerly Invitae), Labcorp); PubMed 26285051 (cited by Labcorp Genetics (formerly Invitae), Labcorp); PubMed 26505888 (cited by Labcorp Genetics (formerly Invitae), Labcorp).